The following is an entry in ClinVar:

NM_133459.4(CCBE1):c.213-1G>A

Gene: CCBE1 (collagen and calcium binding EGF domains 1; minus strand). Cytogenetic location: 18q21.32.
Variant type: single nucleotide variant.
Coding change: c.213-1G>A on transcript NM_133459.4 (MANE Select); the canonical splice acceptor site of the intron before coding-DNA position 213, G replaced by A.
Molecular consequence: splice acceptor variant.
Genome position (GRCh38, 1-based): chr18:59,480,239, C>T on the plus strand (G>A on the coding strand, the complement: CCBE1 is on the minus strand). VCF-style: chr18-59480239-C-T. GRCh37 (hg19) VCF-style: chr18-57147471-C-T.
Identifiers: ClinVar variation 1516110 (VCV001516110.9), dbSNP rs201030273, ClinGen allele CA8980585.
Genomic context (GRCh38, chr18:59,480,239, plus strand): 5'-TACATACCTTCTGGGATGCATTGTCCAAGAACAAATTTATATCCTTTGCAGCACTTTTTC[C>T]TAAGAGACAAACAAACATTTAAAATATAATAATTAGGCTAAAAATAAAATTCTTTCCAGT-3'

ClinVar aggregate classification (germline): Conflicting classifications of pathogenicity. Review status: criteria provided, conflicting classifications (1 of 4 stars). 2 submissions from 2 submitters: Likely pathogenic (1); Uncertain significance (1). Last evaluated 2022-08-19.

Allele frequency attached by ClinVar (database versions not stated): gnomAD exomes below 0.00001; ExAC 0.00001; gnomAD 0.00001; TOPMed 0.00003; 1000 Genomes Project 0.00020; 1000 Genomes Project 30x 0.00031.
gnomAD v4.1: 4 of 1,586,198 alleles (0.00025%); highest among the groups gnomAD compares: Admixed American, 0.0033%; no homozygotes.

Submissions (2):

Labcorp Genetics (formerly Invitae), Labcorp
Classification: Likely pathogenic. Last evaluated: 2022-08-19. Review status: criteria provided, single submitter. Criteria: Invitae Variant Classification Sherloc (09022015). Collection method: clinical testing. Allele origin: germline.
Comment: In summary, the currently available evidence indicates that the variant is pathogenic, but additional data are needed to prove that conclusively. Therefore, this variant has been classified as Likely Pathogenic. Algorithms developed to predict the effect of sequence changes on RNA splicing suggest that this variant may disrupt the consensus splice site. ClinVar contains an entry for this variant (Variation ID: 1516110). This variant has not been reported in the literature in individuals affected with CCBE1-related conditions. The frequency data for this variant in the population databases is considered unreliable, as metrics indicate poor data quality at this position in the gnomAD database. This sequence change affects an acceptor splice site in intron 2 of the CCBE1 gene. It is expected to disrupt RNA splicing. Variants that disrupt the donor or acceptor splice site typically lead to a loss of protein function (PMID: 16199547), and loss-of-function variants in CCBE1 are known to be pathogenic (PMID: 19935664, 21778431, 26686525).

GeneDx
Classification: Uncertain significance. Last evaluated: 2022-04-25. Review status: criteria provided, single submitter. Criteria: GeneDx Variant Classification Process June 2021. Collection method: clinical testing. Allele origin: germline. Affected: yes.
Comment: Not observed at significant frequency in large population cohorts (gnomAD); Canonical splice site variant in a gene or region of a gene for which loss of function is not a well-established mechanism of disease; Has not been previously published as pathogenic or benign to our knowledge

Literature cited by the submitters: PubMed 16199547 (cited by Labcorp Genetics (formerly Invitae), Labcorp); PubMed 19935664 (cited by Labcorp Genetics (formerly Invitae), Labcorp); PubMed 21778431 (cited by Labcorp Genetics (formerly Invitae), Labcorp); PubMed 26686525 (cited by Labcorp Genetics (formerly Invitae), Labcorp).